The following is an entry in ClinVar:

NM_004960.4(FUS):c.325A>G (p.Thr109Ala)

Gene: FUS (FUS RNA binding protein; plus strand). Cytogenetic location: 16p11.2.
Variant type: single nucleotide variant.
Coding change: c.325A>G on transcript NM_004960.4 (MANE Select); coding-DNA position 325, A replaced by G.
Protein change: p.Thr109Ala; replaces threonine 109 with alanine.
Molecular consequence: missense variant. On other transcripts: non-coding transcript variant (1).
Genome position (GRCh38, 1-based): chr16:31,183,992, A>G. VCF-style: chr16-31183992-A-G. GRCh37 (hg19) VCF-style: chr16-31195313-A-G.
Other names: c.322A>G, p.Thr108Ala (NM_001170634.1); c.325A>G, p.Thr109Ala (NM_001170937.1); short protein forms T108A, T109A.
Identifiers: ClinVar variation 4990773 (VCV004990773.1).

ClinVar aggregate classification (germline): Uncertain significance (1 of 4 stars; one submission).

Conditions:
FUS-related disorder. Also called: FUS-related condition.

gnomAD v4.1: 28 of 1,613,976 alleles (0.0017%); highest among the groups gnomAD compares: Non-Finnish European, 0.0022%; no homozygotes.

Submission:

PreventionGenetics, part of Exact Sciences
Classification: Uncertain significance for FUS-related condition. Last evaluated: 2025-03-18. Review status: criteria provided, single submitter. Criteria: ACMG Guidelines, 2015. Collection method: clinical testing. Allele origin: germline.
Comment: The FUS c.325A>G variant is predicted to result in the amino acid substitution p.Thr109Ala. To our knowledge, this variant has not been reported in the literature. This variant is reported in 0.0031% of alleles in individuals of European (Non-Finnish) descent in gnomAD. At this time, the clinical significance of this variant is uncertain due to the absence of conclusive functional and genetic evidence.